The following is an entry in ClinVar:

ClinVar aggregate classification (germline): Likely pathogenic (1 of 4 stars; one submission).

Conditions:
Telangiectasia, hereditary hemorrhagic, type 1 (HHT1). Also called: Osler Weber Rendu syndrome type 1; ENG-Related Hereditary Hemorrhagic Telangiectasia. Identifiers: Orphanet 774, MedGen C4551861, MONDO:0008535, OMIM 187300. Disease mechanism: loss of function.

Submission:

Neuberg Centre For Genomic Medicine, NCGM
Classification: Likely pathogenic for Telangiectasia, hereditary hemorrhagic, type 1. Last evaluated: 2023-05-20. Review status: criteria provided, single submitter. Criteria: ACMG Guidelines, 2015. Collection method: clinical testing. Allele origin: germline. Inheritance: Autosomal dominant inheritance. Affected: yes.
Comment: The observed splice acceptor c.1687-1G>C variant in ENG gene has not been reported previously as a pathogenic variant nor as a benign variant, to our knowledge. The c.1687-1G>C variant is absent in gnomAD Exomes database. This variant has not been reported to the ClinVar database. Another splice variant [c.1687-1G>T] at the same residue has been reported in patients affected with Hereditary Hemorrhagic Telangiectasia (Merves M, et. al.,2019; Major T, et. al., 2021). Splice AI predicts this variant to cause splice acceptor loss (0.99) and splice acceptor gain (0.7). This variant is predicted to cause loss of normal protein function through protein truncation. Loss of function variants have been previously reported to be disease causing. Additional functional studies are required to prove pathogenicity of the variant. For these reasons, this variant has been classified as Likely Pathogenic.

NM_001114753.3(ENG):c.1687-1G>C

Genes: ENG (endoglin; minus strand), LOC102723566 (uncharacterized LOC102723566; plus strand). Cytogenetic location: 9q34.11.
Variant type: single nucleotide variant.
Coding change: c.1687-1G>C on transcript NM_001114753.3 (MANE Select); the canonical splice acceptor site of the intron before coding-DNA position 1687, G replaced by C.
Molecular consequence: splice acceptor variant. On other transcripts: non-coding transcript variant (1).
Genome position (GRCh38, 1-based): chr9:127,817,204, C>G on the plus strand (G>C on the coding strand, the complement: ENG is on the minus strand). VCF-style: chr9-127817204-C-G. GRCh37 (hg19) VCF-style: chr9-130579483-C-G.
Other names: c.1687-1G>C (NM_000118.4); c.1141-1G>C (NM_001278138.2).
Identifiers: ClinVar variation 3341415 (VCV003341415.1).